The following is an entry in ClinVar:

ClinVar aggregate classification (germline): Uncertain significance (1 of 4 stars; one submission).

Submission:

GeneDx
Classification: Uncertain significance. Last evaluated: 2019-12-06. Review status: criteria provided, single submitter. Criteria: GeneDx Variant Classification Process June 2021. Collection method: clinical testing. Allele origin: germline. Affected: yes.
Comment: Not observed in large population cohorts (Lek et al., 2016); In silico analysis, which includes protein predictors and evolutionary conservation, supports that this variant does not alter protein structure/function; Has not been previously published as pathogenic or benign to our knowledge

NM_017882.3(CLN6):c.622G>C (p.Gly208Arg)

Gene: CLN6 (CLN6 transmembrane ER protein; minus strand). Cytogenetic location: 15q23.
Variant type: single nucleotide variant.
Coding change: c.622G>C on transcript NM_017882.3 (MANE Select); coding-DNA position 622, G replaced by C.
Protein change: p.Gly208Arg; replaces glycine 208 with arginine.
Molecular consequence: missense variant.
Genome position (GRCh38, 1-based): chr15:68,209,680, C>G on the plus strand (G>C on the coding strand, the complement: CLN6 is on the minus strand). VCF-style: chr15-68209680-C-G. GRCh37 (hg19) VCF-style: chr15-68502018-C-G.
Other names: short protein forms G208R.
Identifiers: ClinVar variation 1310767 (VCV001310767.2), dbSNP rs2141137242, ClinGen allele CA392972857.